The following is an entry in ClinVar:

ClinVar aggregate classification (germline): Pathogenic (1 of 4 stars; one submission).

Submission:

Labcorp Genetics (formerly Invitae), Labcorp
Classification: Pathogenic. Last evaluated: 2022-09-19. Review status: criteria provided, single submitter. Criteria: Invitae Variant Classification Sherloc (09022015). Collection method: clinical testing. Allele origin: germline.
Comment: This sequence change creates a premature translational stop signal (p.Glu46*) in the COL4A5 gene. It is expected to result in an absent or disrupted protein product. Loss-of-function variants in COL4A5 are known to be pathogenic (PMID: 9195222, 10752524, 14514738, 24854265, 26809805). This variant is not present in population databases (gnomAD no frequency). This premature translational stop signal has been observed in individual(s) with Alport syndrome (PMID: 19728970). ClinVar contains an entry for this variant (Variation ID: 1069897). Algorithms developed to predict the effect of sequence changes on RNA splicing suggest that this variant may create or strengthen a splice site. For these reasons, this variant has been classified as Pathogenic.

Literature cited by the submitters: PubMed 9195222; PubMed 10752524; PubMed 14514738; PubMed 24854265; PubMed 26809805; PubMed 19728970.

NM_033380.3(COL4A5):c.136G>T (p.Glu46Ter)

Gene: COL4A5 (collagen type IV alpha 5 chain; plus strand). Cytogenetic location: Xq22.3.
Variant type: single nucleotide variant.
Coding change: c.136G>T on transcript NM_033380.3 (MANE Select); coding-DNA position 136, G replaced by T.
Protein change: p.Glu46Ter; replaces glutamic acid 46 with a stop codon.
Molecular consequence: nonsense.
Genome position (GRCh38, 1-based): chrX:108,539,800, G>T. VCF-style: chrX-108539800-G-T. GRCh37 (hg19) VCF-style: chrX-107783030-G-T.
Other names: c.136G>T, p.Glu46Ter (NM_000495.5); short protein forms E46*.
Identifiers: ClinVar variation 1069897 (VCV001069897.9), dbSNP rs762399773, ClinGen allele CA413908906.